The following is an entry in ClinVar:

ClinVar aggregate classification (germline): Uncertain significance (1 of 4 stars; one submission).

Allele frequency attached by ClinVar (database versions not stated): gnomAD exomes below 0.00001.
gnomAD v4.1: 1 of 1,614,112 alleles (0.000062%); highest among the groups gnomAD compares: Admixed American, 0.0017%; no homozygotes.

Submission:

Labcorp Genetics (formerly Invitae), Labcorp
Classification: Uncertain significance. Last evaluated: 2022-07-12. Review status: criteria provided, single submitter. Criteria: Invitae Variant Classification Sherloc (09022015). Collection method: clinical testing. Allele origin: germline.
Comment: In summary, the available evidence is currently insufficient to determine the role of this variant in disease. Therefore, it has been classified as a Variant of Uncertain Significance. Algorithms developed to predict the effect of missense changes on protein structure and function are either unavailable or do not agree on the potential impact of this missense change (SIFT: "Deleterious"; PolyPhen-2: "Possibly Damaging"; Align-GVGD: "Class C15"). ClinVar contains an entry for this variant (Variation ID: 1464422). This variant has not been reported in the literature in individuals affected with USH2A-related conditions. This variant is present in population databases (no rsID available, gnomAD 0.003%). This sequence change replaces threonine, which is neutral and polar, with isoleucine, which is neutral and non-polar, at codon 4242 of the USH2A protein (p.Thr4242Ile).

NM_206933.4(USH2A):c.12725C>T (p.Thr4242Ile)

Gene: USH2A (usherin; minus strand). Cytogenetic location: 1q41.
Variant type: single nucleotide variant.
Coding change: c.12725C>T on transcript NM_206933.4 (MANE Select); coding-DNA position 12725, C replaced by T.
Protein change: p.Thr4242Ile; replaces threonine 4242 with isoleucine.
Molecular consequence: missense variant.
Genome position (GRCh38, 1-based): chr1:215,675,186, G>A on the plus strand (C>T on the coding strand, the complement: USH2A is on the minus strand). VCF-style: chr1-215675186-G-A. GRCh37 (hg19) VCF-style: chr1-215848528-G-A.
Other names: short protein forms T4242I.
Identifiers: ClinVar variation 1464422 (VCV001464422.6), dbSNP rs1416457172, ClinGen allele CA344849538.